The following is an entry in ClinVar:

ClinVar aggregate classification (germline): Uncertain significance (1 of 4 stars; one submission).

Conditions:
Fanconi anemia complementation group O. Also called: RAD51C-Related Fanconi Anemia. Identifiers: Orphanet 84, MedGen C3150653, MONDO:0013248, OMIM 613390.

Submission:

Labcorp Genetics (formerly Invitae), Labcorp
Classification: Uncertain significance for Fanconi anemia complementation group O. Last evaluated: 2022-09-01. Review status: criteria provided, single submitter. Criteria: Invitae Variant Classification Sherloc (09022015). Collection method: clinical testing. Allele origin: germline.
Comment: This sequence change replaces asparagine, which is neutral and polar, with histidine, which is basic and polar, at codon 71 of the RAD51C protein (p.Asn71His). This variant is not present in population databases (gnomAD no frequency). This variant has not been reported in the literature in individuals affected with RAD51C-related conditions. ClinVar contains an entry for this variant (Variation ID: 1517324). In summary, the available evidence is currently insufficient to determine the role of this variant in disease. Therefore, it has been classified as a Variant of Uncertain Significance. Algorithms developed to predict the effect of missense changes on protein structure and function (SIFT, PolyPhen-2, Align-GVGD) all suggest that this variant is likely to be tolerated.

NM_058216.3(RAD51C):c.211A>C (p.Asn71His)

Gene: RAD51C (RAD51 paralog C; plus strand). Cytogenetic location: 17q22.
Variant type: single nucleotide variant.
Coding change: c.211A>C on transcript NM_058216.3 (MANE Select); coding-DNA position 211, A replaced by C.
Protein change: p.Asn71His; replaces asparagine 71 with histidine.
Molecular consequence: missense variant. On other transcripts: non-coding transcript variant (2).
Genome position (GRCh38, 1-based): chr17:58,694,996, A>C. VCF-style: chr17-58694996-A-C. GRCh37 (hg19) VCF-style: chr17-56772357-A-C.
Other names: c.211A>C, p.Asn71His (NM_002876.4); short protein forms N71H.
Identifiers: ClinVar variation 1517324 (VCV001517324.8), dbSNP rs876659936, ClinGen allele CA400340069.